The following is an entry in ClinVar:

ClinVar aggregate classification (germline): Uncertain significance (1 of 4 stars; one submission).

Conditions:
Hereditary cancer-predisposing syndrome. Also called: Hereditary Cancer Syndrome; Hereditary neoplastic syndrome; Neoplastic Syndromes, Hereditary; Tumor predisposition. Identifiers: Orphanet 140162, MedGen C0027672, MeSH D009386, MONDO:0015356.

Submission:

Ambry Genetics
Classification: Uncertain significance for Hereditary cancer-predisposing syndrome. Last evaluated: 2021-05-03. Review status: criteria provided, single submitter. Criteria: Ambry Variant Classification Scheme 2023. Collection method: clinical testing. Allele origin: germline.
Comment: The p.A510S variant (also known as c.1528G>T), located in coding exon 8 of the RET gene, results from a G to T substitution at nucleotide position 1528. The alanine at codon 510 is replaced by serine, an amino acid with similar properties. This amino acid position is not well conserved in available vertebrate species. In addition, this alteration is predicted to be tolerated by in silico analysis. Since supporting evidence is limited at this time, the clinical significance of this alteration remains unclear.

NM_020975.6(RET):c.1528G>T (p.Ala510Ser)

Gene: RET (ret proto-oncogene; plus strand). Cytogenetic location: 10q11.21.
Variant type: single nucleotide variant.
Coding change: c.1528G>T on transcript NM_020975.6 (MANE Select); coding-DNA position 1528, G replaced by T.
Protein change: p.Ala510Ser; replaces alanine 510 with serine.
Molecular consequence: missense variant.
Genome position (GRCh38, 1-based): chr10:43,112,104, G>T. VCF-style: chr10-43112104-G-T. GRCh37 (hg19) VCF-style: chr10-43607552-G-T.
Other names: c.502G>T, p.Ala168Ser (NM_001406786.1, NM_001406783.1); c.631G>T, p.Ala211Ser (NM_001406787.1, NM_001406779.1, NM_001406780.1 and 3 more transcripts); c.343G>T, p.Ala115Ser (NM_001406788.1, NM_001406789.1, NM_001406790.1 and 1 more transcripts); c.79G>T, p.Ala27Ser (NM_001406792.1, NM_001406793.1, NM_001406794.1); c.1528G>T, p.Ala510Ser (NM_020629.2, NM_020630.7, NM_000323.2 and 6 more transcripts); c.766G>T, p.Ala256Ser (NM_001355216.2); c.1399G>T, p.Ala467Ser (NM_001406761.1, NM_001406762.1, NM_001406764.1 and 1 more transcripts); c.1240G>T, p.Ala414Ser (NM_001406766.1, NM_001406767.1, NM_001406770.1); and 5 more; short protein forms A115S, A168S, A180S, A268S, A378S, A27S, A414S, A211S.
Identifiers: ClinVar variation 1774564 (VCV001774564.2), dbSNP rs989627119, ClinGen allele CA376550192.
Genomic context (GRCh38, chr10:43,112,104, plus strand): 5'-CTGGACGCTGGGCCCAGGCCAGCCCCCTGTGACCCTGCTTGTCTGCCACCTGCAGATGTG[G>T]CCGAGGAGGCGGGCTGCCCCCTGTCCTGTGCAGTCAGCAAGAGACGGCTGGAGTGTGAGG-3'
Protein context (NP_066124.1, residues 500-520): LLVTVEGSYV[Ala510Ser]EEAGCPLSCA